The following is an entry in ClinVar:

NM_003036.4(SKI):c.970-3C>T

Gene: SKI (SKI proto-oncogene; plus strand). Cytogenetic location: 1p36.32.
Variant type: single nucleotide variant.
Coding change: c.970-3C>T on transcript NM_003036.4 (MANE Select); 3 bases into the intron before coding-DNA position 970, C replaced by T.
Molecular consequence: intron variant.
Genome position (GRCh38, 1-based): chr1:2,302,975, C>T. VCF-style: chr1-2302975-C-T. GRCh37 (hg19) VCF-style: chr1-2234414-C-T.
Identifiers: ClinVar variation 1767923 (VCV001767923.2), dbSNP rs1472547715, ClinGen allele CA732595810.
Genomic context (GRCh38, chr1:2,302,975, plus strand): 5'-GGCTGGTGGAGGGACCCTGCCCTGGGAACCACAGGTGCCAACAAAACCTTTCATTGATCG[C>T]AGGTCTCCTCTGAGCCTCCGGCCTCCATAAGACCCAAAACAGATGACACCTCTTCCCAGT-3'

ClinVar aggregate classification (germline): Uncertain significance (1 of 4 stars; one submission).

Conditions:
Familial thoracic aortic aneurysm and aortic dissection (TAAD). Also called: Thoracic aortic aneurysms and dissections. Identifiers: Orphanet 91387, MedGen C4707243, MONDO:0019625.

Allele frequency attached by ClinVar (database versions not stated): TOPMed below 0.00001; gnomAD 0.00001.
gnomAD v4.1: 1 of 1,613,372 alleles (0.000062%); highest among the groups gnomAD compares: Non-Finnish European, 0.000085%; no homozygotes.

Submission:

Ambry Genetics
Classification: Uncertain significance for Familial thoracic aortic aneurysm and aortic dissection. Last evaluated: 2021-06-02. Review status: criteria provided, single submitter. Criteria: Ambry Variant Classification Scheme 2023. Collection method: clinical testing. Allele origin: germline.
Comment: The c.970-3C>T intronic variant results from a C to T substitution 3 nucleotides upstream from coding exon 2 in the SKI gene. This nucleotide position is highly conserved in available vertebrate species. In silico splice site analysis predicts that this alteration will not have any significant effect on splicing. Since supporting evidence is limited at this time, the clinical significance of this alteration remains unclear.